The following is an entry in ClinVar:

ClinVar aggregate classification (germline): Uncertain significance (1 of 4 stars; one submission).

Allele frequency attached by ClinVar (database versions not stated): gnomAD exomes below 0.00001; ExAC 0.00001; gnomAD 0.00002; TOPMed 0.00002.

Submission:

Labcorp Genetics (formerly Invitae), Labcorp
Classification: Uncertain significance. Last evaluated: 2021-08-06. Review status: criteria provided, single submitter. Criteria: Invitae Variant Classification Sherloc (09022015). Collection method: clinical testing. Allele origin: germline.
Comment: This sequence change replaces arginine with histidine at codon 183 of the TRIT1 protein (p.Arg183His). The arginine residue is highly conserved and there is a small physicochemical difference between arginine and histidine. This variant is present in population databases (rs775824065, ExAC 0.002%). This variant has not been reported in the literature in individuals affected with TRIT1-related conditions. Algorithms developed to predict the effect of missense changes on protein structure and function are either unavailable or do not agree on the potential impact of this missense change (SIFT: "Deleterious"; PolyPhen-2: "Probably Damaging"; Align-GVGD: "Class C0"). In summary, the available evidence is currently insufficient to determine the role of this variant in disease. Therefore, it has been classified as a Variant of Uncertain Significance.

NM_017646.6(TRIT1):c.548G>A (p.Arg183His)

Gene: TRIT1 (tRNA isopentenyltransferase 1; minus strand). Cytogenetic location: 1p34.2.
Variant type: single nucleotide variant.
Coding change: c.548G>A on transcript NM_017646.6 (MANE Select); coding-DNA position 548, G replaced by A.
Protein change: p.Arg183His; replaces arginine 183 with histidine.
Molecular consequence: missense variant.
Genome position (GRCh38, 1-based): chr1:39,852,743, C>T on the plus strand (G>A on the coding strand, the complement: TRIT1 is on the minus strand). VCF-style: chr1-39852743-C-T. GRCh37 (hg19) VCF-style: chr1-40318415-C-T.
Other names: c.548G>A, p.Arg183His (NM_001312691.2); c.308G>A, p.Arg103His (NM_001312692.2); short protein forms R183H, R103H.
Identifiers: ClinVar variation 1386015 (VCV001386015.6), dbSNP rs775824065, ClinGen allele CA788078.